The following is an entry in ClinVar:

NM_019892.6(INPP5E):c.787A>G (p.Ile263Val)

Gene: INPP5E (inositol polyphosphate-5-phosphatase E; minus strand). Cytogenetic location: 9q34.3.
Variant type: single nucleotide variant.
Coding change: c.787A>G on transcript NM_019892.6 (MANE Select); coding-DNA position 787, A replaced by G.
Protein change: p.Ile263Val; replaces isoleucine 263 with valine.
Molecular consequence: missense variant.
Genome position (GRCh38, 1-based): chr9:136,438,633, T>C on the plus strand (A>G on the coding strand, the complement: INPP5E is on the minus strand). VCF-style: chr9-136438633-T-C. GRCh37 (hg19) VCF-style: chr9-139333085-T-C.
Other names: c.787A>G, p.Ile263Val (NM_001318502.2); short protein forms I263V.
Identifiers: ClinVar variation 4977011 (VCV004977011.1).

ClinVar aggregate classification (germline): Uncertain significance (1 of 4 stars; one submission).

Conditions:
INPP5E-related disorder. Also called: INPP5E-related condition.

gnomAD v4.1: 1 of 1,570,132 alleles (0.000064%); highest among the groups gnomAD compares: Non-Finnish European, 0.000086%; no homozygotes.

Submission:

PreventionGenetics, part of Exact Sciences
Classification: Uncertain significance for INPP5E-related condition. Last evaluated: 2024-12-18. Review status: criteria provided, single submitter. Criteria: ACMG Guidelines, 2015. Collection method: clinical testing. Allele origin: germline.
Comment: The INPP5E c.787A>G variant is predicted to result in the amino acid substitution p.Ile263Val. To our knowledge, this variant has not been reported in the literature or in a large population database (gnomAD), indicating this variant is rare. At this time, the clinical significance of this variant is uncertain due to the absence of conclusive functional and genetic evidence.